The following is an entry in ClinVar:

NM_000234.3(LIG1):c.954C>T (p.Ser318=)

Gene: LIG1 (DNA ligase 1; minus strand). Cytogenetic location: 19q13.33.
Variant type: single nucleotide variant.
Coding change: c.954C>T on transcript NM_000234.3 (MANE Select); coding-DNA position 954, C replaced by T.
Protein change: p.Ser318=; no amino-acid change (serine 318 retained).
Molecular consequence: synonymous variant. On other transcripts: non-coding transcript variant (6).
Genome position (GRCh38, 1-based): chr19:48,140,104, G>A on the plus strand (C>T on the coding strand, the complement: LIG1 is on the minus strand). VCF-style: chr19-48140104-G-A. GRCh37 (hg19) VCF-style: chr19-48643361-G-A.
Other names: c.861C>T, p.Ser287= (NM_001289063.2); c.750C>T, p.Ser250= (NM_001289064.2); c.951C>T, p.Ser317= (NM_001320970.2); c.864C>T, p.Ser288= (NM_001320971.2).
Identifiers: ClinVar variation 1165063 (VCV001165063.45), dbSNP rs41542416, ClinGen allele CA9547023.
Genomic context (GRCh38, chr19:48,140,104, plus strand): 5'-AAGGTGGTTGAGGCTGAGGTAGAGGACAGGGAGGAGGTCTGGAGGCGACAGGGCCACCAC[G>A]GAGCGCAGCAAGTTGCTCAGCGTCTCCACCATCCGGAGCCTGGAGGAGGGGACGGGGGTA-3'
Protein context (NP_000225.1, residues 308-328): MVETLSNLLR[Ser318=]VVALSPPDLL

ClinVar aggregate classification (germline): Benign/Likely benign. Review status: criteria provided, multiple submitters, no conflicts (2 of 4 stars). 4 submissions from 4 submitters: Benign (1); Likely benign (3). Last evaluated 2026-04-01.

Allele frequency attached by ClinVar (database versions not stated): gnomAD exomes 0.00227; 1000 Genomes Project 0.00339; 1000 Genomes Project 30x 0.00375; gnomAD 0.00430 and 0.00451; ESP Exome Variant Server 0.00500; TOPMed 0.00538; ExAC 0.00211.
gnomAD v4.1: 2,766 of 1,613,826 alleles (0.17%); highest among the groups gnomAD compares: African/African-American, 0.92%; 11 homozygotes.

Submissions (4):

CeGaT Center for Human Genetics Tuebingen
Classification: Likely benign. Last evaluated: 2026-04-01. Review status: criteria provided, single submitter. Criteria: CeGaT Center For Human Genetics Tuebingen Variant Classification Criteria Version 2. Collection method: clinical testing. Allele origin: germline. Affected: yes. Observed: 4 variant alleles.
Comment: LIG1: BP4, BP7

Labcorp Genetics (formerly Invitae), Labcorp
Classification: Benign. Last evaluated: 2026-01-27. Review status: criteria provided, single submitter. Criteria: Invitae Variant Classification Sherloc (09022015). Collection method: clinical testing. Allele origin: germline.

Blueprint Genetics
Classification: Likely benign. Last evaluated: 2024-11-25. Review status: criteria provided, single submitter. Criteria: ACMG Guidelines, 2015. Collection method: clinical testing. Allele origin: germline.

Breakthrough Genomics
Classification: Likely benign. Review status: criteria provided, single submitter. Criteria: ACMG Guidelines, 2015. Collection method: not provided. Allele origin: germline. Inheritance: Autosomal recessive inheritance. Affected: yes.